The following is an entry in ClinVar:

ClinVar aggregate classification (germline): Pathogenic. Review status: criteria provided, multiple submitters, no conflicts (2 of 4 stars). 2 submissions from 2 submitters: Pathogenic (2). Last evaluated 2026-02-23.

Conditions:
Autosomal recessive Alport syndrome (ATS2). Also called: COL4A3-Related Nephropathy; COL4A4 Alport Syndrome and Thin Basement Membrane Nephropathy; ALPORT SYNDROME 2, AUTOSOMAL RECESSIVE; Alport syndrome type 2. Identifiers: Orphanet 63, Orphanet 88919, MedGen C4746745, MONDO:0008762, OMIM 203780.

Submissions (2):

Women's Health and Genetics/Laboratory Corporation of America, LabCorp
Classification: Pathogenic for Autosomal recessive Alport syndrome. Last evaluated: 2026-02-23. Review status: criteria provided, single submitter. Criteria: LabCorp Variant Classification Summary - May 2015. Collection method: clinical testing. Allele origin: germline.
Comment: Variant summary: COL4A4 c.3319_3358del40 (p.Leu1107GlnfsX21) results in a premature termination codon, predicted to cause a truncation of the encoded protein or absence of the protein due to nonsense mediated decay, which are commonly known mechanisms for disease. The variant was absent in 249090 control chromosomes. To our knowledge, no occurrence of c.3319_3358del40 in individuals affected with COL4A4-related conditions and no experimental evidence demonstrating its impact on protein function have been reported. ClinVar contains an entry for this variant (Variation ID: 1069400). Based on the evidence outlined above, the variant was classified as pathogenic for Benign Familial Hematuria and Autosomal Recessive Alport Syndrome.

Labcorp Genetics (formerly Invitae), Labcorp
Classification: Pathogenic. Last evaluated: 2020-02-18. Review status: criteria provided, single submitter. Criteria: Invitae Variant Classification Sherloc (09022015). Collection method: clinical testing. Allele origin: germline.
Comment: For these reasons, this variant has been classified as Pathogenic. Loss-of-function variants in COL4A4 are known to be pathogenic (PMID: 19129241, 21196518, 24052634, 24522496, 24854265, 25307543, 26809805, 27281700). This variant has not been reported in the literature in individuals with COL4A4-related conditions. This variant is not present in population databases (ExAC no frequency). This sequence change creates a premature translational stop signal (p.Leu1107Glnfs*21) in the COL4A4 gene. It is expected to result in an absent or disrupted protein product.

Literature cited by the submitters: PubMed 19129241 (cited by Labcorp Genetics (formerly Invitae), Labcorp); PubMed 21196518 (cited by Labcorp Genetics (formerly Invitae), Labcorp); PubMed 24052634 (cited by Labcorp Genetics (formerly Invitae), Labcorp); PubMed 24522496 (cited by Labcorp Genetics (formerly Invitae), Labcorp); PubMed 24854265 (cited by Labcorp Genetics (formerly Invitae), Labcorp); PubMed 25307543 (cited by Labcorp Genetics (formerly Invitae), Labcorp); PubMed 26809805 (cited by Labcorp Genetics (formerly Invitae), Labcorp); PubMed 27281700 (cited by Labcorp Genetics (formerly Invitae), Labcorp).

NM_000092.5(COL4A4):c.3319_3358del (p.Leu1107fs)

Gene: COL4A4 (collagen type IV alpha 4 chain; minus strand). Cytogenetic location: 2q36.3.
Variant type: Deletion.
Coding change: c.3319_3358del on transcript NM_000092.5 (MANE Select); coding-DNA positions 3319 to 3358, 40 bases deleted.
Protein change: p.Leu1107fs; shifts the reading frame from leucine 1107.
Molecular consequence: frameshift variant.
Genome position (GRCh38, 1-based): chr2:227,043,116-227,043,155, 40 bases deleted; deleting any 40 consecutive bases within chr2:227,043,116-227,043,158 gives the same sequence; the c. name uses the placement nearest the transcript's 3' end. GRCh37 (hg19): chr2:227,907,835-227,907,874.
Other names: c.3319_3358del40 (NM_000092.5); short protein forms L1107fs.
Identifiers: ClinVar variation 1069400 (VCV001069400.8), dbSNP rs2150103127, ClinGen allele CA2499215712.